The following is an entry in ClinVar:

ClinVar aggregate classification (germline): Conflicting classifications of pathogenicity. Review status: criteria provided, conflicting classifications (1 of 4 stars). 4 submissions from 4 submitters: Likely pathogenic (1); Uncertain significance (2). 1 of the submissions does not count toward it. Last evaluated 2024-07-26.

Conditions:
MKKS-related disorder. Also called: MKKS-related disorders; MKKS-related condition.
Bardet-Biedl syndrome 6 (BBS6). Identifiers: Orphanet 110, MedGen C1858054, MONDO:0011523, OMIM 605231.
McKusick-Kaufman syndrome (MKKS). Also called: HYDROMETROCOLPOS SYNDROME; HYDROMETROCOLPOS, POSTAXIAL POLYDACTYLY, AND CONGENITAL HEART MALFORMATION. Identifiers: Orphanet 2473, MedGen C0948368, MONDO:0009367, OMIM 236700.
Bardet-Biedl syndrome (BBS). Identifiers: Orphanet 110, MedGen C0752166, MONDO:0015229.

Allele frequency attached by ClinVar (database versions not stated): gnomAD 0.00001; TOPMed 0.00001; ExAC 0.00002; gnomAD exomes 0.00002 and 0.00007; ESP Exome Variant Server 0.00008.
gnomAD v4.1: 105 of 1,614,046 alleles (0.0065%); highest among the groups gnomAD compares: Non-Finnish European, 0.0086%; no homozygotes.

Submissions (4):

Blueprint Genetics
Classification: Likely pathogenic for MKKS-related disorders. Last evaluated: 2024-07-26. Review status: criteria provided, single submitter. Criteria: ACMG Guidelines, 2015. Collection method: clinical testing. Allele origin: germline. Affected: yes. Observed: 5 variant alleles.

Fulgent Genetics
Classification: Uncertain significance for McKusick-Kaufman syndrome; Bardet-Biedl syndrome 6. Last evaluated: 2024-05-31. Review status: criteria provided, single submitter. Criteria: ACMG Guidelines, 2015. Collection method: clinical testing. Allele origin: germline.

Labcorp Genetics (formerly Invitae), Labcorp
Classification: Uncertain significance for McKusick-Kaufman syndrome; Bardet-Biedl syndrome. Last evaluated: 2021-11-27. Review status: criteria provided, single submitter. Criteria: Invitae Variant Classification Sherloc (09022015). Collection method: clinical testing. Allele origin: germline.
Comment: This sequence change replaces leucine, which is neutral and non-polar, with arginine, which is basic and polar, at codon 268 of the MKKS protein (p.Leu268Arg). This variant is present in population databases (rs375902906, gnomAD 0.004%). This variant has not been reported in the literature in individuals affected with MKKS-related conditions. ClinVar contains an entry for this variant (Variation ID: 842572). Algorithms developed to predict the effect of missense changes on protein structure and function are either unavailable or do not agree on the potential impact of this missense change (SIFT: "Deleterious"; PolyPhen-2: "Probably Damaging"; Align-GVGD: "Class C0"). In summary, the available evidence is currently insufficient to determine the role of this variant in disease. Therefore, it has been classified as a Variant of Uncertain Significance.

PreventionGenetics, part of Exact Sciences
Classification: Uncertain significance for MKKS-related condition. Last evaluated: 2024-04-09. Review status: no assertion criteria provided. Collection method: clinical testing. Allele origin: germline. Not counted in ClinVar's aggregate classification.
Comment: The MKKS c.803T>G variant is predicted to result in the amino acid substitution p.Leu268Arg. This variant was reported in an individual from a cohort of patients with uncertain variants identified through routine diagnostic genetic testing (Table S1 in Wai et al 2020. PubMed ID: 32123317). This variant is reported in 0.0044% of alleles in individuals of European (Non-Finnish) descent in gnomAD. At this time, the clinical significance of this variant is uncertain due to the absence of conclusive functional and genetic evidence.

NM_170784.3(MKKS):c.803T>G (p.Leu268Arg)

Gene: MKKS (MKKS centrosomal shuttling protein; minus strand). Cytogenetic location: 20p12.2.
Variant type: single nucleotide variant.
Coding change: c.803T>G on transcript NM_170784.3 (MANE Select); coding-DNA position 803, T replaced by G.
Protein change: p.Leu268Arg; replaces leucine 268 with arginine.
Molecular consequence: missense variant.
Genome position (GRCh38, 1-based): chr20:10,412,712, A>C on the plus strand (T>G on the coding strand, the complement: MKKS is on the minus strand). VCF-style: chr20-10412712-A-C. GRCh37 (hg19) VCF-style: chr20-10393360-A-C.
Other names: c.803T>G, p.Leu268Arg (NM_018848.3); short protein forms L268R.
Identifiers: ClinVar variation 842572 (VCV000842572.8), dbSNP rs375902906, ClinGen allele CA9763622.
Genomic context (GRCh38, chr20:10,412,712, plus strand): 5'-ACGTGGTCACTGATTAGCTGCCTTCCTAGGTTAAGCAGCTGGTCCAAGACTGCATTTTCA[A>C]GAGAAACCCCATAACTGACCACCACAGTTCCTTCTCCAGTGTCAGAAGTGTCTCCGGATA-3'
Protein context (NP_740754.1, residues 258-278): GTVVVSYGVS[Leu268Arg]ENAVLDQLLN